The following is an entry in ClinVar:

NM_004004.6(GJB2):c.641T>G (p.Leu214Arg)

Gene: GJB2 (gap junction protein beta 2; minus strand). Cytogenetic location: 13q12.11.
Variant type: single nucleotide variant.
Coding change: c.641T>G on transcript NM_004004.6 (MANE Select); coding-DNA position 641, T replaced by G.
Protein change: p.Leu214Arg; replaces leucine 214 with arginine.
Molecular consequence: missense variant.
Genome position (GRCh38, 1-based): chr13:20,188,941, A>C on the plus strand (T>G on the coding strand, the complement: GJB2 is on the minus strand). VCF-style: chr13-20188941-A-C. GRCh37 (hg19) VCF-style: chr13-20763080-A-C.
Other names: short protein forms L214R.
Identifiers: ClinVar variation 2839828 (VCV002839828.3), dbSNP rs2500249122, ClinGen allele CA387460735.

ClinVar aggregate classification (germline): Likely pathogenic (1 of 4 stars; one submission).

Submission:

Labcorp Genetics (formerly Invitae), Labcorp
Classification: Likely pathogenic. Last evaluated: 2023-03-04. Review status: criteria provided, single submitter. Criteria: Invitae Variant Classification Sherloc (09022015). Collection method: clinical testing. Allele origin: germline.
Comment: Advanced modeling of protein sequence and biophysical properties (such as structural, functional, and spatial information, amino acid conservation, physicochemical variation, residue mobility, and thermodynamic stability) performed at Invitae indicates that this missense variant is expected to disrupt GJB2 protein function. This sequence change replaces leucine, which is neutral and non-polar, with arginine, which is basic and polar, at codon 214 of the GJB2 protein (p.Leu214Arg). This variant is not present in population databases (gnomAD no frequency). This variant has not been reported in the literature in individuals affected with GJB2-related conditions. This variant disrupts the p.Leu214 amino acid residue in GJB2. Other variant(s) that disrupt this residue have been determined to be pathogenic (PMID: 11439000, 15241677). This suggests that this residue is clinically significant, and that variants that disrupt this residue are likely to be disease-causing. In summary, the currently available evidence indicates that the variant is pathogenic, but additional data are needed to prove that conclusively. Therefore, this variant has been classified as Likely Pathogenic.

Literature cited by the submitters: PubMed 11439000; PubMed 15241677.